The following is an entry in ClinVar:

ClinVar aggregate classification (germline): Uncertain significance (1 of 4 stars; one submission).

Allele frequency attached by ClinVar (database versions not stated): TOPMed below 0.00001.

Submission:

GeneDx
Classification: Uncertain significance. Last evaluated: 2022-09-14. Review status: criteria provided, single submitter. Criteria: GeneDx Variant Classification Process June 2021. Collection method: clinical testing. Allele origin: germline. Affected: yes.
Comment: Not observed in large population cohorts (gnomAD); In silico analysis supports that this missense variant does not alter protein structure/function; Has not been previously published as pathogenic or benign to our knowledge

NM_031407.7(HUWE1):c.6232T>G (p.Leu2078Val)

Gene: HUWE1 (HECT, UBA and WWE domain containing E3 ubiquitin protein ligase 1; minus strand). Cytogenetic location: Xp11.22.
Variant type: single nucleotide variant.
Coding change: c.6232T>G on transcript NM_031407.7 (MANE Select); coding-DNA position 6232, T replaced by G.
Protein change: p.Leu2078Val; replaces leucine 2078 with valine.
Molecular consequence: missense variant.
Genome position (GRCh38, 1-based): chrX:53,573,830, A>C on the plus strand (T>G on the coding strand, the complement: HUWE1 is on the minus strand). VCF-style: chrX-53573830-A-C. GRCh37 (hg19) VCF-style: chrX-53600790-A-C.
Other names: short protein forms L2078V.
Identifiers: ClinVar variation 1313086 (VCV001313086.3), dbSNP rs1482548159, ClinGen allele CA413168265.